The following is an entry in ClinVar:

NM_000834.5(GRIN2B):c.2638C>G (p.Arg880Gly)

Gene: GRIN2B (glutamate ionotropic receptor NMDA type subunit 2B; minus strand). Cytogenetic location: 12p13.1.
Variant type: single nucleotide variant.
Coding change: c.2638C>G on transcript NM_000834.5 (MANE Select); coding-DNA position 2638, C replaced by G.
Protein change: p.Arg880Gly; replaces arginine 880 with glycine.
Molecular consequence: missense variant.
Genome position (GRCh38, 1-based): chr12:13,564,600, G>C on the plus strand (C>G on the coding strand, the complement: GRIN2B is on the minus strand). VCF-style: chr12-13564600-G-C. GRCh37 (hg19) VCF-style: chr12-13717534-G-C.
Other names: c.2638C>G, p.Arg880Gly (NM_001413992.1); short protein forms R880G.
Identifiers: ClinVar variation 2446058 (VCV002446058.1), dbSNP rs1180122833, ClinGen allele CA383994589.

ClinVar aggregate classification (germline): Uncertain significance (1 of 4 stars; one submission).

Submission:

GeneDx
Classification: Uncertain significance. Last evaluated: 2022-09-22. Review status: criteria provided, single submitter. Criteria: GeneDx Variant Classification Process June 2021. Collection method: clinical testing. Allele origin: germline. Affected: yes.
Comment: Not observed at significant frequency in large population cohorts (gnomAD); In silico analysis supports that this missense variant has a deleterious effect on protein structure/function; Has not been previously published as pathogenic or benign to our knowledge